The following is an entry in ClinVar:

ClinVar aggregate classification (germline): Uncertain significance (1 of 4 stars; one submission).

Submission:

GeneDx
Classification: Uncertain significance. Last evaluated: 2022-08-10. Review status: criteria provided, single submitter. Criteria: GeneDx Variant Classification Process June 2021. Collection method: clinical testing. Allele origin: germline. Affected: yes.
Comment: Not observed at significant frequency in large population cohorts (gnomAD); Has not been previously published as pathogenic or benign to our knowledge; In-silico analysis is inconclusive as to whether the variant alters gene splicing. In the absence of RNA/functional studies, the actual effect of this sequence change is unknown.

NM_212482.4(FN1):c.7251+5G>T

Genes: ATIC (5-aminoimidazole-4-carboxamide ribonucleotide formyltransferase/IMP cyclohydrolase; plus strand), FN1 (fibronectin 1; minus strand). Cytogenetic location: 2q35.
Variant type: single nucleotide variant.
Coding change: c.7251+5G>T on transcript NM_212482.4 (MANE Select); 5 bases into the intron after coding-DNA position 7251, G replaced by T.
Molecular consequence: intron variant.
Genome position (GRCh38, 1-based): chr2:215,364,874, C>A on the plus strand (G>T on the coding strand, the complement: FN1 is on the minus strand). VCF-style: chr2-215364874-C-A. GRCh37 (hg19) VCF-style: chr2-216229597-C-A.
Other names: c.6348+5G>T (NM_212474.3); c.6540+5G>T (NM_001306132.2); c.6633+5G>T (NM_001365523.2); c.6615+5G>T (NM_001306131.2); c.6708+5G>T (NM_212476.3); c.6618+5G>T (NM_001365524.2); c.6810+5G>T (NM_212478.3); c.6903+5G>T (NM_001365520.2); and 8 more.
Identifiers: ClinVar variation 1700784 (VCV001700784.2), dbSNP rs2106137734, ClinGen allele CA2580065631.
Genomic context (GRCh38, chr2:215,364,874, plus strand): 5'-ATCCTTGCAGGAGCCCACCCTTTATCTTATCTAACTTGTAGGGAGCCTGGCACATCCAGT[C>A]TTACCCGCTGGCCTCCAAAGCATGTGCAGGAGCAAATGGCACCGAGATATTCCTTCTGCC-3'